The following is an entry in ClinVar:

NM_018975.4(TERF2IP):c.650C>A (p.Pro217Gln)

Gene: TERF2IP (TERF2 interacting protein; plus strand). Cytogenetic location: 16q23.1.
Variant type: single nucleotide variant.
Coding change: c.650C>A on transcript NM_018975.4 (MANE Select); coding-DNA position 650, C replaced by A.
Protein change: p.Pro217Gln; replaces proline 217 with glutamine.
Molecular consequence: missense variant. On other transcripts: non-coding transcript variant (1).
Genome position (GRCh38, 1-based): chr16:75,648,532, C>A. VCF-style: chr16-75648532-C-A. GRCh37 (hg19) VCF-style: chr16-75682430-C-A.
Other names: short protein forms P217Q.
Identifiers: ClinVar variation 4594044 (VCV004594044.2).

ClinVar aggregate classification (germline): Uncertain significance. Review status: criteria provided, multiple submitters, no conflicts (2 of 4 stars). 2 submissions from 2 submitters: Uncertain significance (2). Last evaluated 2025-12-17.

gnomAD v4.1: 69 of 1,563,458 alleles (0.0044%); highest among the groups gnomAD compares: Non-Finnish European, 0.0056%; no homozygotes.

Submissions (2):

Labcorp Genetics (formerly Invitae), Labcorp
Classification: Uncertain significance. Last evaluated: 2025-12-17. Review status: criteria provided, single submitter. Criteria: Invitae Variant Classification Sherloc (09022015). Collection method: clinical testing. Allele origin: germline.
Comment: This sequence change replaces proline, which is neutral and non-polar, with glutamine, which is neutral and polar, at codon 217 of the TERF2IP protein (p.Pro217Gln). The frequency data for this variant in the population databases is considered unreliable, as metrics indicate poor data quality at this position in the gnomAD database. This missense change has been observed in individual(s) with papillary thyroid cancer (PMID: 38688277). An algorithm developed to predict the effect of missense changes on protein structure and function (PolyPhen-2) suggests that this variant is likely to be tolerated. In summary, the available evidence is currently insufficient to determine the role of this variant in disease. Therefore, it has been classified as a Variant of Uncertain Significance.

Ambry Genetics
Classification: Uncertain significance. Last evaluated: 2025-12-11. Review status: criteria provided, single submitter. Criteria: Ambry Variant Classification Scheme 2023. Collection method: clinical testing. Allele origin: germline.

Literature cited by the submitters: PubMed 38688277 (cited by Labcorp Genetics (formerly Invitae), Labcorp).